The following is an entry in ClinVar:

NM_000057.4(BLM):c.2643G>C (p.Trp881Cys)

Gene: BLM (BLM RecQ like helicase; plus strand). Cytogenetic location: 15q26.1.
Variant type: single nucleotide variant.
Coding change: c.2643G>C on transcript NM_000057.4 (MANE Select); coding-DNA position 2643, G replaced by C.
Protein change: p.Trp881Cys; replaces tryptophan 881 with cysteine.
Molecular consequence: missense variant.
Genome position (GRCh38, 1-based): chr15:90,782,909, G>C. VCF-style: chr15-90782909-G-C. GRCh37 (hg19) VCF-style: chr15-91326139-G-C.
Other names: c.2643G>C, p.Trp881Cys (NM_001287246.2, NM_001287247.2); c.1518G>C, p.Trp506Cys (NM_001287248.2); short protein forms W506C, W881C.
Identifiers: ClinVar variation 649989 (VCV000649989.11), dbSNP rs367543039, ClinGen allele CA393845783.

ClinVar aggregate classification (germline): Uncertain significance (1 of 4 stars; one submission).

Conditions:
Bloom syndrome (BLM). Also called: Bloom-Torre-Machacek syndrome. Identifiers: Orphanet 125, MedGen C0005859, MONDO:0008876, OMIM 210900.

gnomAD v4.1: 8 of 1,612,586 alleles (0.0005%); highest among the groups gnomAD compares: Non-Finnish European, 0.00068%; no homozygotes.

Submission:

Labcorp Genetics (formerly Invitae), Labcorp
Classification: Uncertain significance for Bloom syndrome. Last evaluated: 2023-09-22. Review status: criteria provided, single submitter. Criteria: Invitae Variant Classification Sherloc (09022015). Collection method: clinical testing. Allele origin: germline.
Comment: In summary, the available evidence is currently insufficient to determine the role of this variant in disease. Therefore, it has been classified as a Variant of Uncertain Significance. Advanced modeling of protein sequence and biophysical properties (such as structural, functional, and spatial information, amino acid conservation, physicochemical variation, residue mobility, and thermodynamic stability) performed at Invitae indicates that this missense variant is expected to disrupt BLM protein function. ClinVar contains an entry for this variant (Variation ID: 649989). This variant has not been reported in the literature in individuals affected with BLM-related conditions. This variant is not present in population databases (gnomAD no frequency). This sequence change replaces tryptophan, which is neutral and slightly polar, with cysteine, which is neutral and slightly polar, at codon 881 of the BLM protein (p.Trp881Cys).